The following is an entry in ClinVar:

ClinVar aggregate classification (germline): Uncertain significance (1 of 4 stars; one submission).

Allele frequency attached by ClinVar (database versions not stated): gnomAD below 0.00001 and 0.00001; TOPMed below 0.00001; ExAC 0.00003; ESP Exome Variant Server 0.00008; 1000 Genomes Project 30x 0.00016; 1000 Genomes Project 0.00020.
gnomAD v4.1: 85 of 1,613,816 alleles (0.0053%); highest among the groups gnomAD compares: East Asian, 0.011%; no homozygotes.

Submission:

Labcorp Genetics (formerly Invitae), Labcorp
Classification: Uncertain significance. Last evaluated: 2020-11-10. Review status: criteria provided, single submitter. Criteria: Invitae Variant Classification Sherloc (09022015). Collection method: clinical testing. Allele origin: germline.
Comment: In summary, the available evidence is currently insufficient to determine the role of this variant in disease. Therefore, it has been classified as a Variant of Uncertain Significance. Algorithms developed to predict the effect of missense changes on protein structure and function are either unavailable or do not agree on the potential impact of this missense change (SIFT: "Deleterious"; PolyPhen-2: "Probably Damaging"; Align-GVGD: "Class C0"). This variant has not been reported in the literature in individuals with TBX6-related conditions. This variant is present in population databases (rs201799291, ExAC 0.01%). This sequence change replaces arginine with histidine at codon 167 of the TBX6 protein (p.Arg167His). The arginine residue is highly conserved and there is a small physicochemical difference between arginine and histidine.

NM_004608.4(TBX6):c.500G>A (p.Arg167His)

Gene: TBX6 (T-box transcription factor 6; minus strand). Cytogenetic location: 16p11.2.
Variant type: single nucleotide variant.
Coding change: c.500G>A on transcript NM_004608.4 (MANE Select); coding-DNA position 500, G replaced by A.
Protein change: p.Arg167His; replaces arginine 167 with histidine.
Molecular consequence: missense variant.
Genome position (GRCh38, 1-based): chr16:30,089,064, C>T on the plus strand (G>A on the coding strand, the complement: TBX6 is on the minus strand). VCF-style: chr16-30089064-C-T. GRCh37 (hg19) VCF-style: chr16-30100385-C-T.
Other names: short protein forms R167H.
Identifiers: ClinVar variation 1000588 (VCV001000588.9), dbSNP rs201799291, ClinGen allele CA8001907.